The following is an entry in ClinVar:

NM_000545.8(HNF1A):c.731G>T (p.Arg244Ile)

Gene: HNF1A (HNF1 homeobox A; plus strand). Cytogenetic location: 12q24.31.
Variant type: single nucleotide variant.
Coding change: c.731G>T on transcript NM_000545.8 (MANE Select); coding-DNA position 731, G replaced by T.
Protein change: p.Arg244Ile; replaces arginine 244 with isoleucine.
Molecular consequence: missense variant.
Genome position (GRCh38, 1-based): chr12:120,994,181, G>T. VCF-style: chr12-120994181-G-T. GRCh37 (hg19) VCF-style: chr12-121431984-G-T.
Other names: NM_000545.8(HNF1A):c.731G>T; c.731G>T, p.Arg244Ile (NM_001306179.2); short protein forms R244I.
Identifiers: ClinVar variation 36828 (VCV000036828.14), dbSNP rs193922602, ClinGen allele CA214321.

ClinVar aggregate classification (germline): Uncertain significance. Review status: reviewed by expert panel (3 of 4 stars). 4 submissions from 4 submitters: Uncertain significance (1). 3 of the submissions do not count toward it. Last evaluated 2025-07-24.

Conditions:
Monogenic diabetes. Identifiers: Orphanet 183625, MedGen C3888631, MONDO:0015967.
Maturity-onset diabetes of the young (MODY). Also called: Maturity onset diabetes mellitus in young. Identifiers: Orphanet 552, MedGen C0342276, MONDO:0018911, HP:0004904.
Maturity-onset diabetes of the young type 3. Also called: MODY type 3; MODY, type III. Identifiers: Orphanet 552, MedGen C1838100, MeSH C563933, MONDO:0010894, OMIM 600496. Disease mechanism: loss of function.

Submissions (4):

ClinGen Monogenic Diabetes Variant Curation Expert Panel
Classification: Uncertain significance for Monogenic diabetes. Last evaluated: 2025-07-24. Review status: reviewed by expert panel. Criteria: ClinGen Diabetes ACMG Specifications HNF1A V3.0.0. Collection method: curation. Allele origin: germline. Inheritance: Autosomal dominant inheritance.
Comment: The c.731G>T variant in the HNF1 homeobox A gene, HNF1A, causes an amino acid change of arginine to isoleucine at codon 244 (p.Arg244Ile) of NM_000545.8. This variant is located within a conserved region of the DNA binding domain (codons 107-174 and 201-280) of HNF1A, which is defined as critical for the protein’s function by the ClinGen MDEP (PM1_Supporting). This variant is also absent from gnomAD v2.1.1 and v4.1.0 (PM2_Supporting). This variant is predicted to be deleterious by computational evidence, with a REVEL score of 0.939, which is greater than the MDEP VCEP threshold of 0.70 (PP3). This variant was identified in an individual with diabetes; however, the MODY probability is unable to be calculated due to lack of clinical information (PMID: 21224407); therefore, PP4 cannot be applied. Another missense variant, c.732A>T (p.Arg244Ser) has been classified as a VUS by the ClinGen MDEP; therefore, PM5 cannot be applied. In summary, c.731G>T meets the criteria to be classified as a variant of uncertain significance for monogenic diabetes. ACMG/AMP criteria applied, as specified by the ClinGen MDEP (specification version 3.0.0, approved 6/30/2025): PM1_Supporting, PM2_Supporting, PP3.

Labcorp Genetics (formerly Invitae), Labcorp
Classification: Uncertain significance. Last evaluated: 2021-04-17. Review status: criteria provided, single submitter. Criteria: Invitae Variant Classification Sherloc (09022015). Collection method: clinical testing. Allele origin: germline. Not counted in ClinVar's aggregate classification.
Comment: In summary, the available evidence is currently insufficient to determine the role of this variant in disease. Therefore, it has been classified as a Variant of Uncertain Significance. Advanced modeling of protein sequence and biophysical properties (such as structural, functional, and spatial information, amino acid conservation, physicochemical variation, residue mobility, and thermodynamic stability) performed at Invitae indicates that this missense variant is expected to disrupt HNF1A protein function. This variant has been observed in individual(s) with non-insulin-dependent diabetes mellitus (PMID: 21224407). ClinVar contains an entry for this variant (Variation ID: 36828). This variant is not present in population databases (ExAC no frequency). This sequence change replaces arginine with isoleucine at codon 244 of the HNF1A protein (p.Arg244Ile). The arginine residue is highly conserved and there is a moderate physicochemical difference between arginine and isoleucine.

Women's Health and Genetics/Laboratory Corporation of America, LabCorp
Classification: Likely pathogenic for MODY3. Last evaluated: 2011-08-18. Review status: criteria provided, single submitter. Criteria: LabCorp Variant Classification Summary - May 2015. Collection method: curation, clinical testing. Allele origin: germline. Inheritance: autosomal dominant. Affected: yes. Observed: 1 variant allele. Not counted in ClinVar's aggregate classification.
ClinVar note: Converted during submission from likely pathogenic to Likely pathogenic.

Clinical Genomics, Uppaluri K&H Personalized Medicine Clinic
Classification: Likely pathogenic for Maturity-onset diabetes of the young. Review status: criteria provided, single submitter. Criteria: K & H Uppaluri Personalized Medicine Clinic Variant Classification & Assertion Criteria_Updated V.1. Collection method: research. Allele origin: unknown. Inheritance: Autosomal dominant inheritance. Not counted in ClinVar's aggregate classification.
Comment: Mutations in HNF1A gene can predispose to MODY3. It is associated with both micro and macrovascular complications of diabetes, especially cardiovascular complications. Associated with glucosuria. May respond well to sulfonylureas. However, more evidence is required to confer the association of this particular variant rs193922602 with MODY3.

Literature cited by the submitters: PubMed 21224407 (cited by 3 submitters); PubMed 31517624 (cited by Clinical Genomics, Uppaluri K&H Personalized Medicine Clinic); PubMed 35328643 (cited by Clinical Genomics, Uppaluri K&H Personalized Medicine Clinic); PubMed 32395877 (cited by Clinical Genomics, Uppaluri K&H Personalized Medicine Clinic); PubMed 35673428 (cited by Clinical Genomics, Uppaluri K&H Personalized Medicine Clinic).